The following is an entry in ClinVar:

ClinVar aggregate classification (germline): Uncertain significance (1 of 4 stars; one submission).

Conditions:
Ullrich congenital muscular dystrophy 2 (UCMD2). Identifiers: Orphanet 75840, MedGen C4225314, MONDO:0014654, OMIM 616470.
Bethlem myopathy 2 (BTHLM2). Identifiers: Orphanet 536516, Orphanet 610, MedGen C4225313, MONDO:0034022, OMIM 616471.

Allele frequency attached by ClinVar (database versions not stated): gnomAD exomes below 0.00001; TOPMed below 0.00001.
gnomAD v4.1: 4 of 1,600,898 alleles (0.00025%); highest among the groups gnomAD compares: Non-Finnish European, 0.00034%; no homozygotes.

Submission:

Labcorp Genetics (formerly Invitae), Labcorp
Classification: Uncertain significance for Bethlem myopathy 2; Ullrich congenital muscular dystrophy 2. Last evaluated: 2024-12-18. Review status: criteria provided, single submitter. Criteria: Invitae Variant Classification Sherloc (09022015). Collection method: clinical testing. Allele origin: germline.
Comment: This sequence change replaces serine, which is neutral and polar, with leucine, which is neutral and non-polar, at codon 432 of the COL12A1 protein (p.Ser432Leu). This variant is not present in population databases (gnomAD no frequency). This variant has not been reported in the literature in individuals affected with COL12A1-related conditions. ClinVar contains an entry for this variant (Variation ID: 950912). Invitae Evidence Modeling of protein sequence and biophysical properties (such as structural, functional, and spatial information, amino acid conservation, physicochemical variation, residue mobility, and thermodynamic stability) indicates that this missense variant is expected to disrupt COL12A1 protein function with a positive predictive value of 80%. In summary, the available evidence is currently insufficient to determine the role of this variant in disease. Therefore, it has been classified as a Variant of Uncertain Significance.

NM_004370.6(COL12A1):c.1295C>T (p.Ser432Leu)

Gene: COL12A1 (collagen type XII alpha 1 chain; minus strand). Cytogenetic location: 6q13.
Variant type: single nucleotide variant.
Coding change: c.1295C>T on transcript NM_004370.6 (MANE Select); coding-DNA position 1295, C replaced by T.
Protein change: p.Ser432Leu; replaces serine 432 with leucine.
Molecular consequence: missense variant. On other transcripts: intron variant (1).
Genome position (GRCh38, 1-based): chr6:75,183,646, G>A on the plus strand (C>T on the coding strand, the complement: COL12A1 is on the minus strand). VCF-style: chr6-75183646-G-A. GRCh37 (hg19) VCF-style: chr6-75893362-G-A.
Other names: c.73+19074C>T (NM_080645.3); short protein forms S432L.
Identifiers: ClinVar variation 950912 (VCV000950912.10), dbSNP rs1769450841, ClinGen allele CA364771865.
Genomic context (GRCh38, chr6:75,183,646, plus strand): 5'-CCAATGCTATAGGAGCCATCAACCAAAAACACAATATCGGCTTTTATATCCACACCACGT[G>A]AGCATTCTGTAAAGAGAAAAAAAGTACATTAAACTTCAATACATATTAATCATTAAAATA-3'
Protein context (NP_004361.3, residues 422-442): TQPMKVQVEC[Ser432Leu]RGVDIKADIV